The following is an entry in ClinVar:

NM_001375905.1(SGMS2):c.783C>T (p.Ala261=)

Genes: SGMS2 (sphingomyelin synthase 2; plus strand), CYP2U1-AS1 (CYP2U1 and SGMS2 antisense RNA 1; minus strand). Cytogenetic location: 4q25.
Variant type: single nucleotide variant.
Coding change: c.783C>T on transcript NM_001375905.1 (MANE Select); coding-DNA position 783, C replaced by T.
Protein change: p.Ala261=; no amino-acid change (alanine 261 retained).
Molecular consequence: synonymous variant. On other transcripts: intron variant (1).
Genome position (GRCh38, 1-based): chr4:107,908,620, C>T. VCF-style: chr4-107908620-C-T. GRCh37 (hg19) VCF-style: chr4-108829776-C-T.
Other names: c.783C>T, p.Ala261= (NM_001136257.2, NM_001136258.2, NM_001375906.1 and 3 more transcripts); c.264C>T, p.Ala88= (NM_001375911.1); c.728-1730C>T (NM_001375910.1).
Identifiers: ClinVar variation 2050938 (VCV002050938.30), dbSNP rs34350155, ClinGen allele CA3036871.

ClinVar aggregate classification (germline): Likely benign. Review status: criteria provided, multiple submitters, no conflicts (2 of 4 stars). 3 submissions from 3 submitters: Likely benign (3). Last evaluated 2026-01-12.

Allele frequency attached by ClinVar (database versions not stated): ESP Exome Variant Server 0.00038.
gnomAD v4.1: 351 of 1,613,908 alleles (0.022%); highest among the groups gnomAD compares: Non-Finnish European, 0.024%; 1 homozygote.

Submissions (3):

Labcorp Genetics (formerly Invitae), Labcorp
Classification: Likely benign. Last evaluated: 2026-01-12. Review status: criteria provided, single submitter. Criteria: Invitae Variant Classification Sherloc (09022015). Collection method: clinical testing. Allele origin: germline.

Blueprint Genetics
Classification: Likely benign. Last evaluated: 2024-11-14. Review status: criteria provided, single submitter. Criteria: ACMG Guidelines, 2015. Collection method: clinical testing. Allele origin: germline.

CeGaT Center for Human Genetics Tuebingen
Classification: Likely benign. Last evaluated: 2023-07-01. Review status: criteria provided, single submitter. Criteria: CeGaT Center For Human Genetics Tuebingen Variant Classification Criteria Version 2. Collection method: clinical testing. Allele origin: germline. Affected: yes. Observed: 1 variant allele.
Comment: SGMS2: BP4, BP7